The following is an entry in ClinVar:

ClinVar aggregate classification (germline): Uncertain significance (1 of 4 stars; one submission).

Conditions:
Cataract 12 multiple types. Identifiers: Orphanet 91492, MedGen C3808115, MONDO:0012701, OMIM 611597.

Allele frequency attached by ClinVar (database versions not stated): gnomAD exomes below 0.00001; TOPMed below 0.00001; gnomAD 0.00001.
gnomAD v4.1: 2 of 1,613,922 alleles (0.00012%); highest among the groups gnomAD compares: African/African-American, 0.0013%; no homozygotes.

Submission:

Labcorp Genetics (formerly Invitae), Labcorp
Classification: Uncertain significance for Cataract 12 multiple types. Last evaluated: 2022-07-26. Review status: criteria provided, single submitter. Criteria: Invitae Variant Classification Sherloc (09022015). Collection method: clinical testing. Allele origin: germline.
Comment: This variant is present in population databases (no rsID available, gnomAD 0.003%). This variant has not been reported in the literature in individuals affected with BFSP2-related conditions. Algorithms developed to predict the effect of missense changes on protein structure and function (SIFT, PolyPhen-2, Align-GVGD) all suggest that this variant is likely to be disruptive. In summary, the available evidence is currently insufficient to determine the role of this variant in disease. Therefore, it has been classified as a Variant of Uncertain Significance. This sequence change replaces glycine, which is neutral and non-polar, with tryptophan, which is neutral and slightly polar, at codon 64 of the BFSP2 protein (p.Gly64Trp).

NM_003571.4(BFSP2):c.190G>T (p.Gly64Trp)

Gene: BFSP2 (beaded filament structural protein 2; plus strand). Cytogenetic location: 3q22.1.
Variant type: single nucleotide variant.
Coding change: c.190G>T on transcript NM_003571.4 (MANE Select); coding-DNA position 190, G replaced by T.
Protein change: p.Gly64Trp; replaces glycine 64 with tryptophan.
Molecular consequence: missense variant.
Genome position (GRCh38, 1-based): chr3:133,400,273, G>T. VCF-style: chr3-133400273-G-T. GRCh37 (hg19) VCF-style: chr3-133119117-G-T.
Other names: short protein forms G64W.
Identifiers: ClinVar variation 2413884 (VCV002413884.6), dbSNP rs1158694669, ClinGen allele CA354583761.